The following is an entry in ClinVar:

NM_005751.5(AKAP9):c.4803_4805del (p.His1601del)

Gene: AKAP9 (A-kinase anchoring protein 9; plus strand). Cytogenetic location: 7q21.2.
Variant type: Deletion.
Coding change: c.4803_4805del on transcript NM_005751.5 (MANE Select); coding-DNA positions 4803 to 4805, 3 bases deleted (TCA; older notation c.4803_4805delTCA).
Protein change: p.His1601del; deletes histidine 1601.
Molecular consequence: inframe deletion.
Genome position (GRCh38, 1-based): chr7:92,040,784-92,040,786, TCA deleted; deleting any 3 consecutive bases within chr7:92,040,782-92,040,786 gives the same sequence; the c. name uses the placement nearest the transcript's 3' end. VCF-style (leftmost placement, unchanged base first): chr7-92040781-ACAT-A. GRCh37 (hg19) VCF-style: chr7-91670095-ACAT-A.
Other names: c.4803_4805del, p.His1601del (NM_147185.3); short protein forms H1601del.
Identifiers: ClinVar variation 4613390 (VCV004613390.1).
Genomic context (GRCh38, chr7:92,040,781, plus strand): 5'-AATGTTGAATGAAGAACAGTTGGAAGATATGAGACAGGAACTTGTACGACAATACCAAGA[ACAT>A]CAACAGGCAACGGAATTGTTAAGGCAAGCACATATGCGGCAAATGGAGAGACAGCGAGAA-3'

ClinVar aggregate classification (germline): Uncertain significance (1 of 4 stars; one submission).

Conditions:
Cardiovascular phenotype. Identifiers: MedGen CN230736.

Submission:

Ambry Genetics
Classification: Uncertain significance for Cardiovascular phenotype. Last evaluated: 2025-10-09. Review status: criteria provided, single submitter. Criteria: Ambry Variant Classification Scheme 2023. Collection method: clinical testing. Allele origin: germline.
Comment: The c.4803_4805delTCA variant (also known as p.H1601del) is located in coding exon 18 of the AKAP9 gene. This variant results from an in-frame TCA deletion at nucleotide positions 4803 to 4805. This results in the in-frame deletion of a histidine at codon 1601. This amino acid position is highly conserved in available vertebrate species. In addition, this variant is predicted to be deleterious by in silico analysis (Choi Y et al. PLoS ONE. 2012; 7(10):e46688). The evidence for this gene-disease relationship is limited; therefore, the clinical significance of this alteration is unclear.